The following is an entry in ClinVar:

ClinVar aggregate classification (germline): Uncertain significance (1 of 4 stars; one submission).

Submission:

Ambry Genetics
Classification: Uncertain significance. Last evaluated: 2023-03-05. Review status: criteria provided, single submitter. Criteria: Ambry Variant Classification Scheme 2023. Collection method: clinical testing. Allele origin: germline.
Comment: The p.M238V variant (also known as c.712A>G), located in coding exon 3 of the ALPK2 gene, results from an A to G substitution at nucleotide position 712. The methionine at codon 238 is replaced by valine, an amino acid with highly similar properties. This amino acid position is conserved. In addition, this alteration is predicted to be tolerated by in silico analysis. Since supporting evidence is limited at this time, the clinical significance of this alteration remains unclear.

NM_052947.4(ALPK2):c.712A>G (p.Met238Val)

Genes: ALPK2 (alpha kinase 2; minus strand), LOC114803473 (ALPK2 eExon liver enhancer; plus strand). Cytogenetic location: 18q21.31.
Variant type: single nucleotide variant.
Coding change: c.712A>G on transcript NM_052947.4 (MANE Select); coding-DNA position 712, A replaced by G.
Protein change: p.Met238Val; replaces methionine 238 with valine.
Molecular consequence: missense variant.
Genome position (GRCh38, 1-based): chr18:58,580,064, T>C on the plus strand (A>G on the coding strand, the complement: ALPK2 is on the minus strand). VCF-style: chr18-58580064-T-C. GRCh37 (hg19) VCF-style: chr18-56247296-T-C.
Other names: short protein forms M238V.
Identifiers: ClinVar variation 2451143 (VCV002451143.2), dbSNP rs2518899920, ClinGen allele CA402567376.